The following is an entry in ClinVar:

ClinVar aggregate classification (germline): Uncertain significance (1 of 4 stars; one submission).

Conditions:
Hereditary cancer-predisposing syndrome. Also called: Tumor predisposition; Neoplastic Syndromes, Hereditary; Hereditary Cancer Syndrome; Hereditary neoplastic syndrome. Identifiers: Orphanet 140162, MedGen C0027672, MeSH D009386, MONDO:0015356.

Submission:

Ambry Genetics
Classification: Uncertain significance for Hereditary cancer-predisposing syndrome. Last evaluated: 2024-11-26. Review status: criteria provided, single submitter. Criteria: Ambry Variant Classification Scheme 2023. Collection method: clinical testing. Allele origin: germline.
Comment: The p.K1030I variant (also known as c.3089A>T), located in coding exon 18 of the DICER1 gene, results from an A to T substitution at nucleotide position 3089. The lysine at codon 1030 is replaced by isoleucine, an amino acid with dissimilar properties. This amino acid position is conserved. In addition, the in silico prediction for this alteration is inconclusive. Based on the available evidence, the clinical significance of this variant remains unclear.

NM_177438.3(DICER1):c.3089A>T (p.Lys1030Ile)

Gene: DICER1 (dicer 1, ribonuclease III; minus strand). Cytogenetic location: 14q32.13.
Variant type: single nucleotide variant.
Coding change: c.3089A>T on transcript NM_177438.3 (MANE Select); coding-DNA position 3089, A replaced by T.
Protein change: p.Lys1030Ile; replaces lysine 1030 with isoleucine.
Molecular consequence: missense variant. On other transcripts: non-coding transcript variant (6).
Genome position (GRCh38, 1-based): chr14:95,105,682, T>A on the plus strand (A>T on the coding strand, the complement: DICER1 is on the minus strand). VCF-style: chr14-95105682-T-A. GRCh37 (hg19) VCF-style: chr14-95572019-T-A.
Other names: c.3089A>T, p.Lys1030Ile (NM_001195573.1, NM_001271282.3, NM_001291628.2 and 12 more transcripts); c.2807A>T, p.Lys936Ile (NM_001395686.1); c.2684A>T, p.Lys895Ile (NM_001395687.1, NM_001395688.1, NM_001395689.1 and 2 more transcripts); c.2522A>T, p.Lys841Ile (NM_001395691.1); c.1406A>T, p.Lys469Ile (NM_001395697.1); short protein forms K1030I, K469I, K936I, K841I, K895I.
Identifiers: ClinVar variation 3501964 (VCV003501964.1).
Genomic context (GRCh38, chr14:95,105,682, plus strand): 5'-ATAATCTTTAATACTCAAACAAATACTAAGTTATGCTAGTACAATTAACTCATTACCTGT[T>A]TATTCTGCAGACTTTCCCATTTGGCTTTCCTCTTCTCAGCACTGCTTAAAGGAAGCGCTT-3'
Protein context (NP_803187.1, residues 1020-1040): RKAKWESLQN[Lys1030Ile]QILVPELCAI